The following is an entry in ClinVar:

ClinVar aggregate classification (germline): Likely benign (0 of 4 stars; one submission).

Conditions:
KLK3-related disorder. Also called: KLK3-related condition.

Allele frequency attached by ClinVar (database versions not stated): ExAC 0.00003; TOPMed 0.00003; gnomAD exomes 0.00004; gnomAD 0.00005; ESP Exome Variant Server 0.00008; 1000 Genomes Project 30x 0.00016; 1000 Genomes Project 0.00020.
gnomAD v4.1: 72 of 1,613,998 alleles (0.0045%); highest among the groups gnomAD compares: Admixed American, 0.03%; no homozygotes.

Submission:

PreventionGenetics, part of Exact Sciences
Classification: Likely benign for KLK3-related condition. Last evaluated: 2019-03-20. Review status: no assertion criteria provided. Collection method: clinical testing. Allele origin: germline.
Comment: This variant is classified as likely benign based on ACMG/AMP sequence variant interpretation guidelines (Richards et al. 2015 PMID: 25741868, with internal and published modifications).

NM_001648.2(KLK3):c.459C>T (p.Tyr153=)

Gene: KLK3 (kallikrein related peptidase 3; plus strand). Cytogenetic location: 19q13.33.
Variant type: single nucleotide variant.
Coding change: c.459C>T on transcript NM_001648.2 (MANE Select); coding-DNA position 459, C replaced by T.
Protein change: p.Tyr153=; no amino-acid change (tyrosine 153 retained).
Molecular consequence: synonymous variant.
Genome position (GRCh38, 1-based): chr19:50,858,281, C>T. VCF-style: chr19-50858281-C-T. GRCh37 (hg19) VCF-style: chr19-51361537-C-T.
Other names: c.459C>T, p.Tyr153= (NM_001030047.1); c.330C>T, p.Tyr110= (NM_001030048.1).
Identifiers: ClinVar variation 3042419 (VCV003042419.2), dbSNP rs376483907, ClinGen allele CA9604434.